The following is an entry in ClinVar:

ClinVar aggregate classification (germline): Pathogenic/Likely pathogenic. Review status: criteria provided, multiple submitters, no conflicts (2 of 4 stars). 2 submissions from 2 submitters: Pathogenic (1); Likely pathogenic (1). Last evaluated 2025-04-28.

Submissions (2):

GeneDx
Classification: Pathogenic. Last evaluated: 2025-04-28. Review status: criteria provided, single submitter. Criteria: GeneDx Variant Classification Process June 2021. Collection method: clinical testing. Allele origin: germline. Affected: yes.
Comment: Reported in a patient with seizures and mild intellectual disability in published literature (PMID: 34431999); Nonsense variant predicted to result in protein truncation or nonsense mediated decay in a gene for which loss of function is a known mechanism of disease; Not observed at significant frequency in large population cohorts (gnomAD); This variant is associated with the following publications: (PMID: 34431999)

CeGaT Center for Human Genetics Tuebingen
Classification: Likely pathogenic. Last evaluated: 2016-06-01. Review status: criteria provided, single submitter. Criteria: CeGaT Center For Human Genetics Tuebingen Variant Classification Criteria Version 2. Collection method: clinical testing. Allele origin: germline. Affected: yes. Observed: 1 variant allele.

NM_001330260.2(SCN8A):c.1141C>T (p.Arg381Ter)

Gene: SCN8A (sodium voltage-gated channel alpha subunit 8; plus strand). Cytogenetic location: 12q13.13.
Variant type: single nucleotide variant.
Coding change: c.1141C>T on transcript NM_001330260.2 (MANE Select); coding-DNA position 1141, C replaced by T.
Protein change: p.Arg381Ter; replaces arginine 381 with a stop codon.
Molecular consequence: nonsense.
Genome position (GRCh38, 1-based): chr12:51,705,423, C>T. VCF-style: chr12-51705423-C-T. GRCh37 (hg19) VCF-style: chr12-52099207-C-T.
Other names: c.1141C>T, p.Arg381Ter (NM_001177984.3, NM_001369788.1, NM_014191.4); c.1141C>T (NM_014191.3); short protein forms R381*.
Identifiers: ClinVar variation 374707 (VCV000374707.44), dbSNP rs1057519210, ClinGen allele CA16043858.
Genomic context (GRCh38, chr12:51,705,423, plus strand): 5'-TCAGCCCGGTTCATTTGGTACAAGTGACTCAGAAAATGGCCTTTGTCTTTGCAGACTTTA[C>T]GAGCAGCCGGGAAAACATACATGATCTTCTTCGTCTTGGTCATCTTTGTGGGTTCTTTCT-3'